The following is an entry in ClinVar:

ClinVar aggregate classification (germline): Pathogenic/Likely pathogenic. Review status: criteria provided, multiple submitters, no conflicts (2 of 4 stars). 2 submissions from 2 submitters: Pathogenic (1); Likely pathogenic (1). Last evaluated 2024-06-07.

Conditions:
Mucopolysaccharidosis, MPS-II (MPS2). Also called: Mucopolysaccharidosis with skin involvement; Mucopolysaccharidosis type 2; Attenuated MPS (subtype; formerly known as mild MPS II); Severe MPS II; I2S deficiency; MPS 2. Identifiers: Orphanet 580, Orphanet 79388, MedGen C0026705, MONDO:0010674, OMIM 309900.

Submissions (2):

Laboratory of Diagnosis and Therapy of Lysosomal Disorders, University of Padova
Classification: Pathogenic for Mucopolysaccharidosis, MPS-II. Last evaluated: 2024-06-07. Review status: criteria provided, single submitter. Criteria: ACMG Guidelines, 2015. Collection method: literature only. Allele origin: germline. Affected: yes. Observed: 1 variant allele.
Comment: In vitro or in vivo functional studies supportive of a damaging effect (PS3_Strong), Absent from controls (or at low frequency) in gnomAD database (PM2_Moderate), Missense variant in a gene with a low rate of benign missense variation (PP2_Supporting), Multiple lines of computational evidence support a deleterious effect (PP3_Supporting), Patient’s phenotype or family history highly specific for the disease (PP4_Strong)

Classification method: ACMG Guidelines [PMID:25741868] with modifications

Labcorp Genetics (formerly Invitae), Labcorp
Classification: Likely pathogenic for Mucopolysaccharidosis, MPS-II. Last evaluated: 2023-02-03. Review status: criteria provided, single submitter. Criteria: Invitae Variant Classification Sherloc (09022015). Collection method: clinical testing. Allele origin: germline.
Comment: Experimental studies have shown that this missense change affects IDS function (PMID: 18500569). In summary, the currently available evidence indicates that the variant is pathogenic, but additional data are needed to prove that conclusively. Therefore, this variant has been classified as Likely Pathogenic. This variant disrupts the p.Gly224 amino acid residue in IDS. Other variant(s) that disrupt this residue have been determined to be pathogenic (PMID: 27246110; Invitae). This suggests that this residue is clinically significant, and that variants that disrupt this residue are likely to be disease-causing. Algorithms developed to predict the effect of sequence changes on RNA splicing suggest that this variant may disrupt the consensus splice site. Advanced modeling of protein sequence and biophysical properties (such as structural, functional, and spatial information, amino acid conservation, physicochemical variation, residue mobility, and thermodynamic stability) performed at Invitae indicates that this missense variant is expected to disrupt IDS protein function. This missense change has been observed in individual(s) with Hunter syndrome (PMID: 18500569). This variant is not present in population databases (gnomAD no frequency). This sequence change replaces glycine, which is neutral and non-polar, with alanine, which is neutral and non-polar, at codon 224 of the IDS protein (p.Gly224Ala).

Literature cited by the submitters: PubMed 18500569 (cited by Laboratory of Diagnosis and Therapy of Lysosomal Disorders, University of Padova and Labcorp Genetics (formerly Invitae), Labcorp); PubMed 27246110 (cited by Labcorp Genetics (formerly Invitae), Labcorp).

NM_000202.8(IDS):c.671G>C (p.Gly224Ala)

Genes: IDS (iduronate 2-sulfatase; minus strand), LOC106050102 (IDS recombination region; plus strand). Cytogenetic location: Xq28.
Variant type: single nucleotide variant.
Coding change: c.671G>C on transcript NM_000202.8 (MANE Select); coding-DNA position 671, G replaced by C.
Protein change: p.Gly224Ala; replaces glycine 224 with alanine.
Molecular consequence: missense variant. On other transcripts: non-coding transcript variant (1).
Genome position (GRCh38, 1-based): chrX:149,498,144, C>G on the plus strand (G>C on the coding strand, the complement: IDS is on the minus strand). VCF-style: chrX-149498144-C-G. GRCh37 (hg19) VCF-style: chrX-148579675-C-G.
Other names: c.401G>C, p.Gly134Ala (NM_001166550.4); c.671G>C, p.Gly224Ala (NM_006123.5); short protein forms G134A, G224A.
Identifiers: ClinVar variation 2737388 (VCV002737388.5), dbSNP rs2520862765, ClinGen allele CA414522210.